The following is an entry in ClinVar:

ClinVar aggregate classification (germline): Pathogenic. Review status: criteria provided, multiple submitters, no conflicts (2 of 4 stars). 8 submissions from 8 submitters: Pathogenic (6). 2 of the submissions do not count toward it. Last evaluated 2025-12-17.

Conditions:
Febrile seizures, familial, 8 (FEB8). Also called: CONVULSIONS, FAMILIAL FEBRILE, 8. Identifiers: Orphanet 36387, MedGen C1969810, MONDO:0011891, OMIM 607681.
EPILEPSY, CHILDHOOD ABSENCE, SUSCEPTIBILITY TO, 2 (ECA2). Identifiers: Orphanet 64280, MedGen C1843244, OMIM 607681.
Generalized epilepsy with febrile seizures plus 3 (GEFSP3). Also called: GEFS+, TYPE 3. Identifiers: MedGen C1858674.
Developmental and epileptic encephalopathy, 74. Also called: EPILEPTIC ENCEPHALOPATHY, EARLY INFANTILE, 74. Identifiers: MedGen C5193074, MONDO:0032725, OMIM 618396.
Familial sleep-related hypermotor epilepsy. Also called: Autosomal Dominant Sleep-Related Hypermotor (Hyperkinetic) Epilepsy. Identifiers: Orphanet 98784, MedGen C3696898, MONDO:0000030.

Allele frequency attached by ClinVar (database versions not stated): gnomAD exomes below 0.00001.
gnomAD v4.1: 4 of 1,604,476 alleles (0.00025%); highest among the groups gnomAD compares: Non-Finnish European, 0.00034%; no homozygotes.

Submissions (8):

GeneDx
Classification: Pathogenic. Last evaluated: 2025-12-17. Review status: criteria provided, single submitter. Criteria: GeneDx Variant Classification Process June 2021. Collection method: clinical testing. Allele origin: germline. Affected: yes.
Comment: Published functional studies demonstrate that this variant significantly impairs cell trafficking and causes GABRG2 subunits to be retained in the endoplasmic reticulum, resulting in decreased surface expression and reduced peak currents (PMID: 35486215); In silico analysis supports that this missense variant has a deleterious effect on protein structure/function; Not observed at significant frequency in large population cohorts (gnomAD); This variant is associated with the following publications: (PMID: 40665309, 33726816, 34095830, 35605087, 31440721, 35359574, 33391346, 35486215)

Labcorp Genetics (formerly Invitae), Labcorp
Classification: Pathogenic for Febrile seizures, familial, 8; EPILEPSY, CHILDHOOD ABSENCE, SUSCEPTIBILITY TO, 2. Last evaluated: 2025-07-27. Review status: criteria provided, single submitter. Criteria: Invitae Variant Classification Sherloc (09022015). Collection method: clinical testing. Allele origin: germline.
Comment: This sequence change replaces threonine, which is neutral and polar, with methionine, which is neutral and non-polar, at codon 90 of the GABRG2 protein (p.Thr90Met). The frequency data for this variant in the population databases is considered unreliable, as metrics indicate poor data quality at this position in the gnomAD database. This missense change has been observed in individual(s) with clinical features of GABRG2-related conditions (PMID: 33391346; internal data). In at least one individual the variant was observed to be de novo. ClinVar contains an entry for this variant (Variation ID: 379114). Invitae Evidence Modeling of protein sequence and biophysical properties (such as structural, functional, and spatial information, amino acid conservation, physicochemical variation, residue mobility, and thermodynamic stability) indicates that this missense variant is expected to disrupt GABRG2 protein function with a positive predictive value of 95%. For these reasons, this variant has been classified as Pathogenic.

Women's Health and Genetics/Laboratory Corporation of America, LabCorp
Classification: Pathogenic for Developmental and epileptic encephalopathy, 74. Last evaluated: 2025-07-21. Review status: criteria provided, single submitter. Criteria: LabCorp Variant Classification Summary - May 2015. Collection method: clinical testing. Allele origin: germline.
Comment: Variant summary: GABRG2 c.269C>T (p.Thr90Met) results in a non-conservative amino acid change in the encoded protein sequence. Algorithms developed to predict the effect of missense changes on protein structure and function all suggest that this variant is likely to be disruptive. The variant allele was found at a frequency of 4e-06 in 249666 control chromosomes (gnomAD). c.269C>T has been observed in individuals affected with clinical features of Developmental And Epileptic Encephalopathy, 74 (Truty_2019, Jiang_2020, Yang_2022, Internal data). These data indicate that the variant is likely to be associated with disease. At least one publication reports experimental evidence evaluating an impact on protein function and this variant affects the GABRG2 protein function (Jiang_2022). The following publications have been ascertained in the context of this evaluation (PMID: 33391346, 35486215, 31440721, 35359574). ClinVar contains an entry for this variant (Variation ID: 379114). Based on the evidence outlined above, the variant was classified as pathogenic.

Department of Neurology, Zibo Changguo Hospital
Classification: Pathogenic for Developmental and epileptic encephalopathy, 74; Febrile seizures, familial, 8; Generalized epilepsy with febrile seizures plus 3. Last evaluated: 2025-01-08. Review status: criteria provided, single submitter. Criteria: ACMG Guidelines, 2015. Collection method: clinical testing. Allele origin: paternal. Inheritance: Autosomal dominant inheritance. Affected: yes.
Comment: PS2, PM1, PM5, PM2_Supporting, PP3

3billion
Classification: Pathogenic for Febrile seizures, familial, 8. Last evaluated: 2024-04-01. Review status: criteria provided, single submitter. Criteria: ACMG Guidelines, 2015. Collection method: clinical testing. Allele origin: germline. Affected: yes.
Comment: The variant is observed at an extremely low frequency in the gnomAD v4.0.0 dataset (total allele frequency: <0.001%). Predicted Consequence/Location: Missense variant Functional studies provide supporting evidence of the variant having a damaging effect on the gene or gene product (PMID: 35486215). In silico tool predictions suggest damaging effect of the variant on gene or gene product [REVEL: 0.72 (>=0.6, sensitivity 0.68 and specificity 0.92); 3Cnet: 0.69 (>=0.6, sensitivity 0.72 and precision 0.9)]. Same nucleotide change resulting in same amino acid change has been previously reported as pathogenic/likely pathogenic with strong evidence (ClinVar ID: VCV000379114 /PMID: 33391346).The variant has been observed in multiple (>3) similarly affected unrelated individuals (PMID: 31440721, 33726816, 35486215).A different missense change at the same codon (p.Thr90Arg) has been reported to be associated with GABRG2 -related disorder (PMID: 34095830). Therefore, this variant is classified as Pathogenic according to the recommendation of ACMG/AMP guideline.

Baylor Genetics
Classification: Pathogenic for Febrile seizures, familial, 8. Last evaluated: 2023-04-13. Review status: criteria provided, single submitter. Criteria: ACMG Guidelines, 2015. Collection method: clinical testing. Allele origin: unknown.

Wen Jiang Lab, Comprehensive Epilepsy Center, Xijing Hospital
Classification: Likely pathogenic for Familial sleep-related hypermotor epilepsy. Last evaluated: 2022-02-09. Review status: no assertion criteria provided. Collection method: clinical testing, in vitro. Allele origin: somatic, not applicable. Inheritance: Autosomal dominant inheritance. Affected: yes. Observed: 1 variant allele, 1 heterozygote. Functional consequence: Decreased function. Not counted in ClinVar's aggregate classification.

Genomic Medicine Center of Excellence, King Faisal Specialist Hospital and Research Centre
Classification: Uncertain significance for Febrile seizures, familial, 8. Last evaluated: 2024-03-25. Review status: flagged submission. Criteria: ACMG Guidelines, 2015. Collection method: clinical testing. Allele origin: germline. Not counted in ClinVar's aggregate classification.
ClinVar note: Reason: Outlier claim with insufficient supporting evidence

Literature cited by the submitters: PubMed 33391346 (cited by 3 submitters); PubMed 31440721 (cited by Women's Health and Genetics/Laboratory Corporation of America, LabCorp and 3billion); PubMed 35486215 (cited by Women's Health and Genetics/Laboratory Corporation of America, LabCorp and 3billion); PubMed 35359574 (cited by Women's Health and Genetics/Laboratory Corporation of America, LabCorp); PubMed 34095830 (cited by 3billion); PubMed 33726816 (cited by 3billion).

NM_198904.4(GABRG2):c.269C>T (p.Thr90Met)

Gene: GABRG2 (gamma-aminobutyric acid type A receptor subunit gamma2; plus strand). Cytogenetic location: 5q34.
Variant type: single nucleotide variant.
Coding change: c.269C>T on transcript NM_198904.4 (MANE Select); coding-DNA position 269, C replaced by T.
Protein change: p.Thr90Met; replaces threonine 90 with methionine.
Molecular consequence: missense variant. On other transcripts: 5 prime UTR variant (3).
Genome position (GRCh38, 1-based): chr5:162,095,504, C>T. VCF-style: chr5-162095504-C-T. GRCh37 (hg19) VCF-style: chr5-161522510-C-T.
Other names: c.260C>T, p.Thr87Met (NM_001375339.1); c.269C>T, p.Thr90Met (NM_001375340.1, NM_001375341.1, NM_001375342.1 and 4 more transcripts); c.203C>T, p.Thr68Met (NM_001375345.1, NM_001375346.1); c.182C>T, p.Thr61Met (NM_001375347.1); c.-90C>T (NM_001375348.1, NM_001375350.1); c.-17C>T (NM_001375349.1); c.269C>T (NM_198904.2); short protein forms T90M, T61M, T68M, T87M.
Identifiers: ClinVar variation 379114 (VCV000379114.24), dbSNP rs1057520498, ClinGen allele CA16605318.